The following is an entry in ClinVar:

NM_001385641.1(SAMD11):c.1717dup (p.Leu573fs)

Gene: SAMD11 (sterile alpha motif domain containing 11; plus strand). Cytogenetic location: 1p36.33.
Variant type: Duplication.
Coding change: c.1717dup on transcript NM_001385641.1 (MANE Select); coding-DNA position 1717, one base duplicated (C; older notation c.1717dupC).
Protein change: p.Leu573fs; shifts the reading frame from leucine 573.
Molecular consequence: frameshift variant.
Genome position (GRCh38, 1-based): chr1:942,722, C duplicated; the last of 3 consecutive C bases (chr1:942,720-942,722); duplicating any one gives the same sequence. VCF-style (leftmost placement, unchanged base first): chr1-942719-G-GC. GRCh37 (hg19) VCF-style: chr1-878099-G-GC.
Other names: c.1720dup, p.Leu574fs (NM_001385640.1); c.1228dup, p.Leu410fs (NM_152486.4); short protein forms L410fs, L574fs, L573fs.
Identifiers: ClinVar variation 1465141 (VCV001465141.4), dbSNP rs1217063583, ClinGen allele CA520630519.

ClinVar aggregate classification (germline): Uncertain significance. Review status: criteria provided, multiple submitters, no conflicts (2 of 4 stars). 2 submissions from 2 submitters: Uncertain significance (2). Last evaluated 2022-08-16.

Submissions (2):

Labcorp Genetics (formerly Invitae), Labcorp
Classification: Uncertain significance. Last evaluated: 2022-08-16. Review status: criteria provided, single submitter. Criteria: Invitae Variant Classification Sherloc (09022015). Collection method: clinical testing. Allele origin: germline.
Comment: This sequence change creates a premature translational stop signal (p.Leu410Profs*45) in the SAMD11 gene. It is expected to result in an absent or disrupted protein product. However, the current clinical and genetic evidence is not sufficient to establish whether loss-of-function variants in SAMD11 cause disease. This variant is present in population databases (no rsID available, gnomAD 0.05%). This variant has not been reported in the literature in individuals affected with SAMD11-related conditions. ClinVar contains an entry for this variant (Variation ID: 1465141). In summary, the available evidence is currently insufficient to determine the role of this variant in disease. Therefore, it has been classified as a Variant of Uncertain Significance.

Blueprint Genetics
Classification: Uncertain significance. Last evaluated: 2022-06-13. Review status: criteria provided, single submitter. Criteria: ACMG Guidelines, 2015. Collection method: clinical testing. Allele origin: germline.